The following is an entry in ClinVar:

NM_000321.3(RB1):c.554T>G (p.Ile185Arg)

Gene: RB1 (RB transcriptional corepressor 1; plus strand). Cytogenetic location: 13q14.2.
Variant type: single nucleotide variant.
Coding change: c.554T>G on transcript NM_000321.3 (MANE Select); coding-DNA position 554, T replaced by G.
Protein change: p.Ile185Arg; replaces isoleucine 185 with arginine.
Molecular consequence: missense variant.
Genome position (GRCh38, 1-based): chr13:48,348,970, T>G. VCF-style: chr13-48348970-T-G. GRCh37 (hg19) VCF-style: chr13-48923106-T-G.
Other names: c.554T>G, p.Ile185Arg (NM_001407165.1, NM_001407166.1); short protein forms I185R.
Identifiers: ClinVar variation 2138844 (VCV002138844.6), dbSNP rs2542165761, ClinGen allele CA388156908.

ClinVar aggregate classification (germline): Uncertain significance. Review status: criteria provided, multiple submitters, no conflicts (2 of 4 stars). 2 submissions from 2 submitters: Uncertain significance (2). Last evaluated 2024-04-29.

Conditions:
Hereditary cancer-predisposing syndrome. Also called: Neoplastic Syndromes, Hereditary; Hereditary Cancer Syndrome; Tumor predisposition; Hereditary neoplastic syndrome. Identifiers: Orphanet 140162, MedGen C0027672, MeSH D009386, MONDO:0015356.
Retinoblastoma (RB1). Also called: RETINOBLASTOMA, SOMATIC. Identifiers: Orphanet 790, MedGen C0035335, MeSH D012175, MONDO:0008380, OMIM 180200, HP:0009919. Disease mechanism: loss of function. Inheritance: Both sporadic and heritable forms are tested..

Submissions (2):

Labcorp Genetics (formerly Invitae), Labcorp
Classification: Uncertain significance for Retinoblastoma. Last evaluated: 2024-04-29. Review status: criteria provided, single submitter. Criteria: Invitae Variant Classification Sherloc (09022015). Collection method: clinical testing. Allele origin: germline.
Comment: This sequence change replaces isoleucine, which is neutral and non-polar, with arginine, which is basic and polar, at codon 185 of the RB1 protein (p.Ile185Arg). This variant is not present in population databases (gnomAD no frequency). This variant has not been reported in the literature in individuals affected with RB1-related conditions. ClinVar contains an entry for this variant (Variation ID: 2138844). Advanced modeling of protein sequence and biophysical properties (such as structural, functional, and spatial information, amino acid conservation, physicochemical variation, residue mobility, and thermodynamic stability) performed at Invitae indicates that this missense variant is not expected to disrupt RB1 protein function with a negative predictive value of 80%. In summary, the available evidence is currently insufficient to determine the role of this variant in disease. Therefore, it has been classified as a Variant of Uncertain Significance.

Ambry Genetics
Classification: Uncertain significance for Hereditary cancer-predisposing syndrome. Last evaluated: 2022-11-03. Review status: criteria provided, single submitter. Criteria: Ambry Variant Classification Scheme 2023. Collection method: clinical testing. Allele origin: germline.
Comment: The p.I185R variant (also known as c.554T>G), located in coding exon 6 of the RB1 gene, results from a T to G substitution at nucleotide position 554. The isoleucine at codon 185 is replaced by arginine, an amino acid with similar properties. This amino acid position is conserved. In addition, the in silico prediction for this alteration is inconclusive. Since supporting evidence is limited at this time, the clinical significance of this alteration remains unclear.